The following is an entry in ClinVar:

ClinVar aggregate classification (germline): Uncertain significance (1 of 4 stars; one submission).

Submission:

Labcorp Genetics (formerly Invitae), Labcorp
Classification: Uncertain significance. Last evaluated: 2024-09-24. Review status: criteria provided, single submitter. Criteria: Invitae Variant Classification Sherloc (09022015). Collection method: clinical testing. Allele origin: germline.
Comment: This sequence change replaces threonine, which is neutral and polar, with isoleucine, which is neutral and non-polar, at codon 28 of the CACNA1E protein (p.Thr28Ile). This variant is not present in population databases (gnomAD no frequency). This variant has not been reported in the literature in individuals affected with CACNA1E-related conditions. Invitae Evidence Modeling of protein sequence and biophysical properties (such as structural, functional, and spatial information, amino acid conservation, physicochemical variation, residue mobility, and thermodynamic stability) has been performed for this missense variant. However, the output from this modeling did not meet the statistical confidence thresholds required to predict the impact of this variant on CACNA1E protein function. In summary, the available evidence is currently insufficient to determine the role of this variant in disease. Therefore, it has been classified as a Variant of Uncertain Significance.

NM_001205293.3(CACNA1E):c.83C>T (p.Thr28Ile)

Gene: CACNA1E (calcium voltage-gated channel subunit alpha1 E; plus strand). Cytogenetic location: 1q25.3.
Variant type: single nucleotide variant.
Coding change: c.83C>T on transcript NM_001205293.3 (MANE Select); coding-DNA position 83, C replaced by T.
Protein change: p.Thr28Ile; replaces threonine 28 with isoleucine.
Molecular consequence: missense variant.
Genome position (GRCh38, 1-based): chr1:181,483,827, C>T. VCF-style: chr1-181483827-C-T. GRCh37 (hg19) VCF-style: chr1-181452963-C-T.
Other names: c.83C>T, p.Thr28Ile (NM_000721.4, NM_001205294.2); short protein forms T28I.
Identifiers: ClinVar variation 2973398 (VCV002973398.3), dbSNP rs1405275408, ClinGen allele CA343844310.